The following is an entry in ClinVar:

ClinVar aggregate classification (germline): Uncertain significance (1 of 4 stars; one submission).

gnomAD v4.1: 5 of 1,585,938 alleles (0.00032%); highest among the groups gnomAD compares: Middle Eastern, 0.033%; no homozygotes.

Submission:

Women's Health and Genetics/Laboratory Corporation of America, LabCorp
Classification: Uncertain significance. Last evaluated: 2025-05-27. Review status: criteria provided, single submitter. Criteria: LabCorp Variant Classification Summary - May 2015. Collection method: clinical testing. Allele origin: germline.
Comment: Variant summary: SGCE c.-4A>G is located in the untranslated mRNA region upstream of the initiation codon. The variant allele was found at a frequency of 1.9e-06 in 1578996 control chromosomes in the gnomAD database (v4.1 dataset). The available data on variant occurrences in the general population are insufficient to allow any conclusion about variant significance. To our knowledge, no occurrence of c.-4A>G in individuals affected with Myoclonic Dystonia 11 and no experimental evidence demonstrating its impact on protein function have been reported. No submitters have cited clinical-significance assessments for this variant to ClinVar. Based on the evidence outlined above, the variant was classified as uncertain significance.

NM_003919.3(SGCE):c.-4A>G

Gene: SGCE (sarcoglycan epsilon; minus strand). Cytogenetic location: 7q21.3.
Variant type: single nucleotide variant.
Coding change: c.-4A>G on transcript NM_003919.3 (MANE Select); 4 bases upstream of the start codon, A replaced by G.
Molecular consequence: 5 prime UTR variant.
Genome position (GRCh38, 1-based): chr7:94,656,102, T>C on the plus strand (A>G on the coding strand, the complement: SGCE is on the minus strand). VCF-style: chr7-94656102-T-C. GRCh37 (hg19) VCF-style: chr7-94285414-T-C.
Other names: c.-4A>G (NM_001099400.2, NM_001099401.2, NM_001301139.2 and 4 more transcripts); c.-261A>G (NM_001346719.2); c.-339A>G (NM_001346720.2, NM_001362808.2); c.-267A>G (NM_001362807.2).
Identifiers: ClinVar variation 3902665 (VCV003902665.1).
Genomic context (GRCh38, chr7:94,656,102, plus strand): 5'-ACCCTGTCCCGTCCAAGCACAGGGGTCTCCCAGCTCCCACCACCGGGGCAATTGCATTCT[T>C]GGCCTGGCTAGGCCGTCCGTCCTCGATTCTCCCCTCCCCTCCCTTTCTTCTTCCCTCCCA-3'